The following is an entry in ClinVar:

NM_033028.5(BBS4):c.208A>G (p.Ile70Val)

Gene: BBS4 (Bardet-Biedl syndrome 4; plus strand). Cytogenetic location: 15q24.1.
Variant type: single nucleotide variant.
Coding change: c.208A>G on transcript NM_033028.5 (MANE Select); coding-DNA position 208, A replaced by G.
Protein change: p.Ile70Val; replaces isoleucine 70 with valine.
Molecular consequence: missense variant. On other transcripts: 5 prime UTR variant (1), non-coding transcript variant (2).
Genome position (GRCh38, 1-based): chr15:72,712,295, A>G. VCF-style: chr15-72712295-A-G. GRCh37 (hg19) VCF-style: chr15-73004636-A-G.
Other names: c.-314A>G (NM_001252678.2); c.208A>G, p.Ile70Val (NM_001320665.2); short protein forms I70V.
Identifiers: ClinVar variation 197364 (VCV000197364.28), dbSNP rs142692981, ClinGen allele CA245459.

ClinVar aggregate classification (germline): Conflicting classifications of pathogenicity. Review status: criteria provided, conflicting classifications (1 of 4 stars). 6 submissions from 6 submitters: Uncertain significance (1); Benign (1); Likely benign (3). 1 of the submissions does not count toward it. Last evaluated 2026-01-28.

Conditions:
BBS4-related disorder. Also called: BBS4-related condition.
Bardet-Biedl syndrome (BBS). Identifiers: Orphanet 110, MedGen C0752166, MONDO:0015229.
Bardet-Biedl syndrome 4 (BBS4). Identifiers: Orphanet 110, MedGen C2936864, MONDO:0014433, OMIM 615982.

Allele frequency attached by ClinVar (database versions not stated): gnomAD exomes 0.00034; ExAC 0.00048; gnomAD 0.00118; TOPMed 0.00146; ESP Exome Variant Server 0.00154; 1000 Genomes Project 0.00180; 1000 Genomes Project 30x 0.00187.
gnomAD v4.1: 365 of 1,613,830 alleles (0.023%); highest among the groups gnomAD compares: African/African-American, 0.44%; no homozygotes.

Submissions (6):

Labcorp Genetics (formerly Invitae), Labcorp
Classification: Likely benign for Bardet-Biedl syndrome. Last evaluated: 2026-01-28. Review status: criteria provided, single submitter. Criteria: Invitae Variant Classification Sherloc (09022015). Collection method: clinical testing. Allele origin: germline.

CeGaT Center for Human Genetics Tuebingen
Classification: Likely benign. Last evaluated: 2025-10-01. Review status: criteria provided, single submitter. Criteria: CeGaT Center For Human Genetics Tuebingen Variant Classification Criteria Version 2. Collection method: clinical testing. Allele origin: germline. Affected: yes. Observed: 1 variant allele.
Comment: BBS4: BP4

Blueprint Genetics
Classification: Likely benign. Last evaluated: 2024-09-09. Review status: criteria provided, single submitter. Criteria: ACMG Guidelines, 2015. Collection method: clinical testing. Allele origin: germline.

Illumina Laboratory Services, Illumina
Classification: Benign for Bardet-Biedl syndrome 4. Last evaluated: 2017-04-28. Review status: criteria provided, single submitter. Criteria: ICSL Variant Classification Criteria 13 December 2019. Collection method: clinical testing. Allele origin: germline.
Comment: This variant was observed as part of a predisposition screen in an ostensibly healthy population. A literature search was performed for the gene, cDNA change, and amino acid change (where applicable). Publications were found based on this search. The evidence from the literature, in combination with allele frequency data from public databases where available, was sufficient to rule this variant out of causing disease. Therefore, this variant is classified as benign.

Eurofins Ntd Llc (ga)
Classification: Uncertain significance. Last evaluated: 2015-06-03. Review status: criteria provided, single submitter. Criteria: EGL Classification Definitions 2015. Collection method: clinical testing. Allele origin: germline. Observed: 1 variant allele, 1 heterozygote.

PreventionGenetics, part of Exact Sciences
Classification: Likely benign for BBS4-related condition. Last evaluated: 2020-01-06. Review status: no assertion criteria provided. Collection method: clinical testing. Allele origin: germline. Not counted in ClinVar's aggregate classification.
Comment: This variant is classified as likely benign based on ACMG/AMP sequence variant interpretation guidelines (Richards et al. 2015 PMID: 25741868, with internal and published modifications).

Literature cited by the submitters: PubMed 12524598 (cited by Illumina Laboratory Services, Illumina).